The following is an entry in ClinVar:

ClinVar aggregate classification (germline): Uncertain significance. Review status: criteria provided, multiple submitters, no conflicts (2 of 4 stars). 3 submissions from 3 submitters: Uncertain significance (3). Last evaluated 2026-05-01.

Conditions:
AFF4-related disorder. Also called: AFF4-related condition.
Cognitive impairment - coarse facies - heart defects - obesity - pulmonary involvement - short stature - skeletal dysplasia syndrome. Also called: COGNITIVE IMPAIRMENT, COARSE FACIES, HEART DEFECTS, OBESITY, PULMONARY INVOLVEMENT, SHORT STATURE, AND SKELETAL DYSPLASIA; Chops syndrome; AFF4-Related CHOPS Syndrome. Identifiers: Orphanet 444077, MedGen C4085597, MONDO:0014609, OMIM 616368.

Allele frequency attached by ClinVar (database versions not stated): gnomAD exomes below 0.00001; TOPMed 0.00001.
gnomAD v4.1: 5 of 1,614,190 alleles (0.00031%); highest among the groups gnomAD compares: Middle Eastern, 0.016%; no homozygotes.

Submissions (3):

CeGaT Center for Human Genetics Tuebingen
Classification: Uncertain significance. Last evaluated: 2026-05-01. Review status: criteria provided, single submitter. Criteria: CeGaT Center For Human Genetics Tuebingen Variant Classification Criteria Version 2. Collection method: clinical testing. Allele origin: germline. Affected: yes. Observed: 2 variant alleles.
Comment: AFF4: PM2, BP4

PreventionGenetics, part of Exact Sciences
Classification: Uncertain significance for AFF4-related condition. Last evaluated: 2025-04-05. Review status: criteria provided, single submitter. Criteria: ACMG Guidelines, 2015. Collection method: clinical testing. Allele origin: germline.
Comment: The AFF4 c.1870A>G variant is predicted to result in the amino acid substitution p.Thr624Ala. To our knowledge, this variant has not been reported in the literature or in a large population database (gnomAD), indicating this variant is rare. At this time, the clinical significance of this variant is uncertain due to the absence of conclusive functional and genetic evidence.

Labcorp Genetics (formerly Invitae), Labcorp
Classification: Uncertain significance for Cognitive impairment - coarse facies - heart defects - obesity - pulmonary involvement - short stature - skeletal dysplasia syndrome. Last evaluated: 2024-02-22. Review status: criteria provided, single submitter. Criteria: Invitae Variant Classification Sherloc (09022015). Collection method: clinical testing. Allele origin: germline.
Comment: This sequence change replaces threonine, which is neutral and polar, with alanine, which is neutral and non-polar, at codon 624 of the AFF4 protein (p.Thr624Ala). This variant is not present in population databases (gnomAD no frequency). This variant has not been reported in the literature in individuals affected with AFF4-related conditions. Advanced modeling of protein sequence and biophysical properties (such as structural, functional, and spatial information, amino acid conservation, physicochemical variation, residue mobility, and thermodynamic stability) performed at Invitae indicates that this missense variant is not expected to disrupt AFF4 protein function with a negative predictive value of 80%. In summary, the available evidence is currently insufficient to determine the role of this variant in disease. Therefore, it has been classified as a Variant of Uncertain Significance.

NM_014423.4(AFF4):c.1870A>G (p.Thr624Ala)

Gene: AFF4 (ALF transcription elongation factor 4; minus strand). Cytogenetic location: 5q31.1.
Variant type: single nucleotide variant.
Coding change: c.1870A>G on transcript NM_014423.4 (MANE Select); coding-DNA position 1870, A replaced by G.
Protein change: p.Thr624Ala; replaces threonine 624 with alanine.
Molecular consequence: missense variant.
Genome position (GRCh38, 1-based): chr5:132,896,760, T>C on the plus strand (A>G on the coding strand, the complement: AFF4 is on the minus strand). VCF-style: chr5-132896760-T-C. GRCh37 (hg19) VCF-style: chr5-132232452-T-C.
Other names: c.1870A>G (NM_014423.3); short protein forms T624A.
Identifiers: ClinVar variation 2716516 (VCV002716516.21), dbSNP rs1760411436, ClinGen allele CA360936621.
Genomic context (GRCh38, chr5:132,896,760, plus strand): 5'-TGATTTCCCTTGATTTCTGGGAAGATTTACTTGTTGACTTATATTTCTTTTTCTCTGCTG[T>C]AGGTCGAGGGGAAGACTTAGACTCCTTCTTTATATTGGGTTTCCTTGAGCCTTTGGTGGC-3'
Protein context (NP_055238.1, residues 614-634): KKESKSSPRP[Thr624Ala]AEKKKYKSTS